The following is an entry in ClinVar:

NM_001083961.2(WDR62):c.3954C>G (p.Gly1318=)

Gene: WDR62 (WD repeat domain 62; plus strand). Cytogenetic location: 19q13.12.
Variant type: single nucleotide variant.
Coding change: c.3954C>G on transcript NM_001083961.2 (MANE Select); coding-DNA position 3954, C replaced by G.
Protein change: p.Gly1318=; no amino-acid change (glycine 1318 retained).
Molecular consequence: synonymous variant.
Genome position (GRCh38, 1-based): chr19:36,103,782, C>G. VCF-style: chr19-36103782-C-G. GRCh37 (hg19) VCF-style: chr19-36594684-C-G.
Other names: c.3939C>G, p.Gly1313= (NM_001411145.1, NM_173636.5); c.3705C>G, p.Gly1235= (NM_001411146.1); c.3603C>G, p.Gly1201= (NM_001411147.1).
Identifiers: ClinVar variation 4084844 (VCV004084844.8).

ClinVar aggregate classification (germline): Likely benign (1 of 4 stars; one submission).

gnomAD v4.1: 36 of 1,609,918 alleles (0.0022%); highest among the groups gnomAD compares: Non-Finnish European, 0.0027%; no homozygotes.

Submission:

CeGaT Center for Human Genetics Tuebingen
Classification: Likely benign. Last evaluated: 2025-06-01. Review status: criteria provided, single submitter. Criteria: CeGaT Center For Human Genetics Tuebingen Variant Classification Criteria Version 2. Collection method: clinical testing. Allele origin: germline. Affected: yes. Observed: 1 variant allele.
Comment: WDR62: BP4, BP7